The following is an entry in ClinVar:

NM_173482.3(TEKTL1):c.783C>T (p.Arg261=)

Gene: TEKTL1 (tektin like 1; plus strand). Cytogenetic location: 19p13.12.
Variant type: single nucleotide variant.
Coding change: c.783C>T on transcript NM_173482.3 (MANE Select); coding-DNA position 783, C replaced by T.
Protein change: p.Arg261=; no amino-acid change (arginine 261 retained).
Molecular consequence: synonymous variant.
Genome position (GRCh38, 1-based): chr19:15,020,568, C>T. VCF-style: chr19-15020568-C-T. GRCh37 (hg19) VCF-style: chr19-15131380-C-T.
Identifiers: ClinVar variation 4534597 (VCV004534597.6).

ClinVar aggregate classification (germline): Likely benign (1 of 4 stars; one submission).

Submission:

CeGaT Center for Human Genetics Tuebingen
Classification: Likely benign. Last evaluated: 2025-10-01. Review status: criteria provided, single submitter. Criteria: CeGaT Center For Human Genetics Tuebingen Variant Classification Criteria Version 2. Collection method: clinical testing. Allele origin: germline. Affected: yes. Observed: 1 variant allele.
Comment: TEKTL1: PM2:Supporting, BP4, BP7